The following is an entry in ClinVar:

NM_144631.6(ZNF513):c.1255C>T (p.Pro419Ser)

Gene: ZNF513 (zinc finger protein 513; minus strand). Cytogenetic location: 2p23.3.
Variant type: single nucleotide variant.
Coding change: c.1255C>T on transcript NM_144631.6 (MANE Select); coding-DNA position 1255, C replaced by T.
Protein change: p.Pro419Ser; replaces proline 419 with serine.
Molecular consequence: missense variant.
Genome position (GRCh38, 1-based): chr2:27,377,916, G>A on the plus strand (C>T on the coding strand, the complement: ZNF513 is on the minus strand). VCF-style: chr2-27377916-G-A. GRCh37 (hg19) VCF-style: chr2-27600783-G-A.
Other names: c.1069C>T, p.Pro357Ser (NM_001201459.2); short protein forms P419S, P357S.
Identifiers: ClinVar variation 1945866 (VCV001945866.5), dbSNP rs1683410374, ClinGen allele CA346214846.

ClinVar aggregate classification (germline): Uncertain significance (1 of 4 stars; one submission).

Allele frequency attached by ClinVar (database versions not stated): gnomAD exomes below 0.00001.

Submission:

Labcorp Genetics (formerly Invitae), Labcorp
Classification: Uncertain significance. Last evaluated: 2024-11-05. Review status: criteria provided, single submitter. Criteria: Invitae Variant Classification Sherloc (09022015). Collection method: clinical testing. Allele origin: germline.
Comment: This sequence change replaces proline, which is neutral and non-polar, with serine, which is neutral and polar, at codon 419 of the ZNF513 protein (p.Pro419Ser). This variant is not present in population databases (gnomAD no frequency). This variant has not been reported in the literature in individuals affected with ZNF513-related conditions. ClinVar contains an entry for this variant (Variation ID: 1945866). An algorithm developed to predict the effect of missense changes on protein structure and function (PolyPhen-2) suggests that this variant is likely to be disruptive. In summary, the available evidence is currently insufficient to determine the role of this variant in disease. Therefore, it has been classified as a Variant of Uncertain Significance.